The following is an entry in ClinVar:

ClinVar aggregate classification (germline): Uncertain significance (1 of 4 stars; one submission).

Conditions:
Arthrogryposis, distal, type 1A. Also called: ARTHROGRYPOSIS MULTIPLEX CONGENITA, DISTAL, TYPE I. Identifiers: Orphanet 1146, MedGen C6022280, MONDO:0007157, OMIM 108120.

Submission:

Labcorp Genetics (formerly Invitae), Labcorp
Classification: Uncertain significance for Arthrogryposis, distal, type 1A. Last evaluated: 2024-04-02. Review status: criteria provided, single submitter. Criteria: Invitae Variant Classification Sherloc (09022015). Collection method: clinical testing. Allele origin: germline.
Comment: This sequence change replaces arginine, which is basic and polar, with cysteine, which is neutral and slightly polar, at codon 178 of the TPM2 protein (p.Arg178Cys). This variant is not present in population databases (gnomAD no frequency). This variant has not been reported in the literature in individuals affected with TPM2-related conditions. Advanced modeling of protein sequence and biophysical properties (such as structural, functional, and spatial information, amino acid conservation, physicochemical variation, residue mobility, and thermodynamic stability) performed at Invitae indicates that this missense variant is expected to disrupt TPM2 protein function with a positive predictive value of 80%. In summary, the available evidence is currently insufficient to determine the role of this variant in disease. Therefore, it has been classified as a Variant of Uncertain Significance.

NM_003289.4(TPM2):c.532C>T (p.Arg178Cys)

Gene: TPM2 (tropomyosin 2; minus strand). Cytogenetic location: 9p13.3.
Variant type: single nucleotide variant.
Coding change: c.532C>T on transcript NM_003289.4 (MANE Select); coding-DNA position 532, C replaced by T.
Protein change: p.Arg178Cys; replaces arginine 178 with cysteine.
Molecular consequence: missense variant.
Genome position (GRCh38, 1-based): chr9:35,685,300, G>A on the plus strand (C>T on the coding strand, the complement: TPM2 is on the minus strand). VCF-style: chr9-35685300-G-A. GRCh37 (hg19) VCF-style: chr9-35685297-G-A.
Other names: c.532C>T, p.Arg178Cys (NM_001301226.2, NM_001301227.2, NM_213674.1); short protein forms R178C.
Identifiers: ClinVar variation 3714212 (VCV003714212.2).